The following is an entry in ClinVar:

NM_031935.3(HMCN1):c.16811G>T (p.Arg5604Leu)

Gene: HMCN1 (hemicentin 1; plus strand). Cytogenetic location: 1q31.1.
Variant type: single nucleotide variant.
Coding change: c.16811G>T on transcript NM_031935.3 (MANE Select); coding-DNA position 16811, G replaced by T.
Protein change: p.Arg5604Leu; replaces arginine 5604 with leucine.
Molecular consequence: missense variant.
Genome position (GRCh38, 1-based): chr1:186,189,781, G>T. VCF-style: chr1-186189781-G-T. GRCh37 (hg19) VCF-style: chr1-186158913-G-T.
Other names: short protein forms R5604L.
Identifiers: ClinVar variation 294314 (VCV000294314.12), dbSNP rs372803002, ClinGen allele CA1295655.

ClinVar aggregate classification (germline): Uncertain significance. Review status: criteria provided, multiple submitters, no conflicts (2 of 4 stars). 4 submissions from 4 submitters: Uncertain significance (4). Last evaluated 2026-01-17.

Conditions:
Age related macular degeneration 1 (ARMD1). Also called: MACULOPATHY, AGE-RELATED, 1. Identifiers: MedGen C1864205, MONDO:0011285, OMIM 603075.

Allele frequency attached by ClinVar (database versions not stated): ESP Exome Variant Server 0.00008; gnomAD 0.00010; TOPMed 0.00011.
gnomAD v4.1: 202 of 1,613,472 alleles (0.013%); highest among the groups gnomAD compares: Non-Finnish European, 0.015%; no homozygotes.

Submissions (4):

Labcorp Genetics (formerly Invitae), Labcorp
Classification: Uncertain significance. Last evaluated: 2026-01-17. Review status: criteria provided, single submitter. Criteria: Invitae Variant Classification Sherloc (09022015). Collection method: clinical testing. Allele origin: germline.
Comment: This sequence change replaces arginine, which is basic and polar, with leucine, which is neutral and non-polar, at codon 5604 of the HMCN1 protein (p.Arg5604Leu). This variant is present in population databases (rs372803002, gnomAD 0.02%). This variant has not been reported in the literature in individuals affected with HMCN1-related conditions. ClinVar contains an entry for this variant (Variation ID: 294314). An algorithm developed to predict the effect of missense changes on protein structure and function (PolyPhen-2) suggests that this variant is likely to be disruptive. In summary, the available evidence is currently insufficient to determine the role of this variant in disease. Therefore, it has been classified as a Variant of Uncertain Significance.

Ambry Genetics
Classification: Uncertain significance. Last evaluated: 2025-09-04. Review status: criteria provided, single submitter. Criteria: Ambry Variant Classification Scheme 2023. Collection method: clinical testing. Allele origin: germline.

Genome-Nilou Lab
Classification: Uncertain significance for Age related macular degeneration 1. Last evaluated: 2023-04-11. Review status: criteria provided, single submitter. Criteria: ACMG Guidelines, 2015. Collection method: clinical testing. Allele origin: germline. Affected: no.

Illumina Laboratory Services, Illumina
Classification: Uncertain significance for Age related macular degeneration 1. Last evaluated: 2018-01-12. Review status: criteria provided, single submitter. Criteria: ICSL Variant Classification Criteria 13 December 2019. Collection method: clinical testing. Allele origin: germline.